The following is an entry in ClinVar:

NM_033004.4(NLRP1):c.2478G>C (p.Lys826Asn)

Gene: NLRP1 (NLR family pyrin domain containing 1; minus strand). Cytogenetic location: 17p13.2.
Variant type: single nucleotide variant.
Coding change: c.2478G>C on transcript NM_033004.4 (MANE Select); coding-DNA position 2478, G replaced by C.
Protein change: p.Lys826Asn; replaces lysine 826 with asparagine.
Molecular consequence: missense variant.
Genome position (GRCh38, 1-based): chr17:5,553,436, C>G on the plus strand (G>C on the coding strand, the complement: NLRP1 is on the minus strand). VCF-style: chr17-5553436-C-G. GRCh37 (hg19) VCF-style: chr17-5456756-C-G.
Other names: c.2478G>C, p.Lys826Asn (NM_001033053.3, NM_014922.5, NM_033006.4 and 1 more transcripts); c.2478G>C (NM_033004.3); short protein forms K826N.
Identifiers: ClinVar variation 1345515 (VCV001345515.7), dbSNP rs201210992, ClinGen allele CA8327156.

ClinVar aggregate classification (germline): Uncertain significance. Review status: criteria provided, multiple submitters, no conflicts (2 of 4 stars). 2 submissions from 2 submitters: Uncertain significance (2). Last evaluated 2025-04-10.

Conditions:
Inborn genetic diseases. Identifiers: MedGen C0950123, MeSH D030342.

Allele frequency attached by ClinVar (database versions not stated): TOPMed below 0.00001; gnomAD 0.00001; gnomAD exomes 0.00001; ExAC 0.00002.
gnomAD v4.1: 13 of 1,614,068 alleles (0.00081%); highest among the groups gnomAD compares: Non-Finnish European, 0.001%; no homozygotes.

Submissions (2):

Labcorp Genetics (formerly Invitae), Labcorp
Classification: Uncertain significance. Last evaluated: 2025-04-10. Review status: criteria provided, single submitter. Criteria: Invitae Variant Classification Sherloc (09022015). Collection method: clinical testing. Allele origin: germline.
Comment: This sequence change replaces lysine, which is basic and polar, with asparagine, which is neutral and polar, at codon 826 of the NLRP1 protein (p.Lys826Asn). This variant is present in population databases (rs201210992, gnomAD 0.002%). This variant has not been reported in the literature in individuals affected with NLRP1-related conditions. ClinVar contains an entry for this variant (Variation ID: 1345515). An algorithm developed to predict the effect of missense changes on protein structure and function (PolyPhen-2) suggests that this variant is likely to be tolerated. In summary, the available evidence is currently insufficient to determine the role of this variant in disease. Therefore, it has been classified as a Variant of Uncertain Significance.

Ambry Genetics
Classification: Uncertain significance for Inborn genetic diseases. Last evaluated: 2025-02-26. Review status: criteria provided, single submitter. Criteria: Ambry Variant Classification Scheme 2023. Collection method: clinical testing. Allele origin: germline.